The following is an entry in ClinVar:

NM_015978.3(TNNI3K):c.530A>G (p.Tyr177Cys)

Genes: TNNI3K (TNNI3 interacting kinase; plus strand), FPGT-TNNI3K (FPGT-TNNI3K readthrough; plus strand). Cytogenetic location: 1p31.1.
Variant type: single nucleotide variant.
Coding change: c.530A>G on transcript NM_015978.3 (MANE Select); coding-DNA position 530, A replaced by G.
Protein change: p.Tyr177Cys; replaces tyrosine 177 with cysteine.
Molecular consequence: missense variant.
Genome position (GRCh38, 1-based): chr1:74,331,535, A>G. VCF-style: chr1-74331535-A-G. GRCh37 (hg19) VCF-style: chr1-74797219-A-G.
Other names: c.833A>G, p.Tyr278Cys (NM_001112808.3, NM_001199327.2); short protein forms Y177C, Y278C.
Identifiers: ClinVar variation 1969169 (VCV001969169.9), dbSNP rs758188248, ClinGen allele CA908930.

ClinVar aggregate classification (germline): Uncertain significance. Review status: criteria provided, multiple submitters, no conflicts (2 of 4 stars). 4 submissions from 4 submitters: Uncertain significance (4). Last evaluated 2025-09-27.

Conditions:
Atrial conduction disease. Identifiers: Orphanet 436242, MedGen CN221670, MONDO:0014500.
Inborn genetic diseases. Identifiers: MedGen C0950123, MeSH D030342.
Cardiovascular phenotype. Identifiers: MedGen CN230736.

Allele frequency attached by ClinVar (database versions not stated): gnomAD 0.00003; gnomAD exomes 0.00001; ExAC 0.00002; TOPMed 0.00002.
gnomAD v4.1: 14 of 1,612,408 alleles (0.00087%); highest among the groups gnomAD compares: African/African-American, 0.0067%; no homozygotes.

Submissions (4):

Labcorp Genetics (formerly Invitae), Labcorp
Classification: Uncertain significance. Last evaluated: 2025-09-27. Review status: criteria provided, single submitter. Criteria: Invitae Variant Classification Sherloc (09022015). Collection method: clinical testing. Allele origin: germline.
Comment: This sequence change replaces tyrosine, which is neutral and polar, with cysteine, which is neutral and slightly polar, at codon 177 of the TNNI3K protein (p.Tyr177Cys). This variant is present in population databases (rs758188248, gnomAD 0.003%). This variant has not been reported in the literature in individuals affected with TNNI3K-related conditions. ClinVar contains an entry for this variant (Variation ID: 1969169). Invitae Evidence Modeling of protein sequence and biophysical properties (such as structural, functional, and spatial information, amino acid conservation, physicochemical variation, residue mobility, and thermodynamic stability) indicates that this missense variant is not expected to disrupt TNNI3K protein function with a negative predictive value of 80%. In summary, the available evidence is currently insufficient to determine the role of this variant in disease. Therefore, it has been classified as a Variant of Uncertain Significance.

Molecular Diagnostic Laboratory for Inherited Cardiovascular Disease, Montreal Heart Institute
Classification: Uncertain significance for Cardiovascular phenotype. Last evaluated: 2025-04-09. Review status: criteria provided, single submitter. Criteria: ACMG Guidelines, 2015. Collection method: clinical testing. Allele origin: germline. Affected: yes.

Genome-Nilou Lab
Classification: Uncertain significance for Cardiac conduction disease with or without dilated cardiomyopathy 1. Last evaluated: 2023-04-11. Review status: criteria provided, single submitter. Criteria: ACMG Guidelines, 2015. Collection method: clinical testing. Allele origin: germline. Affected: no.

Ambry Genetics
Classification: Uncertain significance for Inborn genetic diseases. Last evaluated: 2023-03-20. Review status: criteria provided, single submitter. Criteria: Ambry Variant Classification Scheme 2023. Collection method: clinical testing. Allele origin: germline.